The following is an entry in ClinVar:

ClinVar aggregate classification (germline): Uncertain significance (1 of 4 stars; one submission).

Conditions:
Hereditary cancer-predisposing syndrome. Also called: Hereditary neoplastic syndrome; Neoplastic Syndromes, Hereditary; Tumor predisposition; Hereditary Cancer Syndrome. Identifiers: Orphanet 140162, MedGen C0027672, MeSH D009386, MONDO:0015356.

Submission:

Ambry Genetics
Classification: Uncertain significance for Hereditary cancer-predisposing syndrome. Last evaluated: 2025-08-27. Review status: criteria provided, single submitter. Criteria: Ambry Variant Classification Scheme 2023. Collection method: clinical testing. Allele origin: germline.
Comment: The p.V75M variant (also known as c.223G>A), located in coding exon 3 of the MUTYH gene, results from a G to A substitution at nucleotide position 223. The valine at codon 75 is replaced by methionine, an amino acid with highly similar properties. This amino acid position is conserved. In addition, this alteration is predicted to be tolerated by in silico analysis. Based on the available evidence, the clinical significance of this variant remains unclear.

NM_001048174.2(MUTYH):c.139G>A (p.Val47Met)

Gene: MUTYH (mutY DNA glycosylase; minus strand). Cytogenetic location: 1p34.1.
Variant type: single nucleotide variant.
Coding change: c.139G>A on transcript NM_001048174.2 (MANE Select); coding-DNA position 139, G replaced by A.
Protein change: p.Val47Met; replaces valine 47 with methionine.
Molecular consequence: missense variant. On other transcripts: 5 prime UTR variant (1), non-coding transcript variant (5), intron variant (5).
Genome position (GRCh38, 1-based): chr1:45,333,538, C>T on the plus strand (G>A on the coding strand, the complement: MUTYH is on the minus strand). VCF-style: chr1-45333538-C-T. GRCh37 (hg19) VCF-style: chr1-45799210-C-T.
Other names: c.139G>A, p.Val47Met (NM_001048171.2, NM_001048173.2, NM_001293195.2 and 6 more transcripts); c.142G>A, p.Val48Met (NM_001048172.2, NM_001407071.1, NM_001407078.1 and 2 more transcripts); c.223G>A, p.Val75Met (NM_001128425.2); c.184G>A, p.Val62Met (NM_001293190.2); c.172G>A, p.Val58Met (NM_001293191.2, NM_001407077.1); c.-133G>A (NM_001350650.2); c.214G>A, p.Val72Met (NM_001407069.1, NM_012222.3); c.181G>A, p.Val61Met (NM_001407073.1, NM_001407083.1, NM_001407085.1); and 4 more; short protein forms V47M, V61M, V72M, V54M, V58M, V19M, V48M, V62M.
Identifiers: ClinVar variation 4113520 (VCV004113520.1).
Genomic context (GRCh38, chr1:45,333,538, plus strand): 5'-CTGTGACTTCAGCTACGTCTCTGAATAGATGGTATGAGGAGACAGAGGCCTGCAATACCA[C>T]CTCTTCCGGCTGCCTGGCCAGGCCTGCTGGGGCCCCAGGACACTCAGCAATCATCCCTGC-3'
Protein context (NP_001041639.1, residues 37-57): CDGLARQPEE[Val47Met]VLQASVSSYH